The following is an entry in ClinVar:

NM_003476.5(CSRP3):c.55del (p.His19fs)

Gene: CSRP3 (cysteine and glycine rich protein 3; minus strand). Cytogenetic location: 11p15.1.
Variant type: Deletion.
Coding change: c.55del on transcript NM_003476.5 (MANE Select); coding-DNA position 55, one base deleted (C; older notation c.55delC).
Protein change: p.His19fs; shifts the reading frame from histidine 19.
Molecular consequence: frameshift variant.
Genome position (GRCh38, 1-based): chr11:19,192,394, G deleted on the plus strand (C on the coding strand, the reverse complement: CSRP3 is on the minus strand); the first of 2 consecutive G bases (chr11:19,192,394-19,192,395); deleting either gives the same sequence. VCF-style (leftmost placement, unchanged base first): chr11-19192393-TG-T. GRCh37 (hg19) VCF-style: chr11-19213940-TG-T.
Other names: c.55del, p.His19fs (NM_001369404.1); short protein forms H19fs.
Identifiers: ClinVar variation 543041 (VCV000543041.5), dbSNP rs1554968138, ClinGen allele CA658797600.
Genomic context (GRCh38, chr11:19,192,393, plus strand): 5'-TCACTGCAGTGGAAACACGTCTTGTGGAAACTCCTTCCATTGCACTGGATTTCTTCTGCA[TG>T]GTAGACGGTCTTTTCACAGGCTCCACATTTTGCGCCTCCGCCCCAGTTTGGCATCTTGAA-3'

ClinVar aggregate classification (germline): Pathogenic (1 of 4 stars; one submission).

Conditions:
Hypertrophic cardiomyopathy 12. Identifiers: MedGen C2677491, MONDO:0012804, OMIM 612124.
Dilated cardiomyopathy 1M (CMD1M). Identifiers: Orphanet 154, MedGen C1843808, MONDO:0011840, OMIM 607482.

Submission:

Labcorp Genetics (formerly Invitae), Labcorp
Classification: Pathogenic for Hypertrophic cardiomyopathy 12; Dilated cardiomyopathy 1M. Last evaluated: 2024-04-22. Review status: criteria provided, single submitter. Criteria: Invitae Variant Classification Sherloc (09022015). Collection method: clinical testing. Allele origin: germline.
Comment: This sequence change results in a frameshift in the CSRP3 gene (p.His19Metfs*189). While this is not anticipated to result in nonsense mediated decay, it is expected to disrupt the last 176 amino acid(s) of the CSRP3 protein and extend the protein by 12 additional amino acid residues. This variant is not present in population databases (gnomAD no frequency). This variant has not been reported in the literature in individuals affected with CSRP3-related conditions. ClinVar contains an entry for this variant (Variation ID: 543041). This variant disrupts a region of the CSRP3 protein in which other variant(s) (p.Cys150Tyr) have been determined to be pathogenic (PMID: 23396983, 25351510, 33035702). This suggests that this is a clinically significant region of the protein, and that variants that disrupt it are likely to be disease-causing. For these reasons, this variant has been classified as Pathogenic.

Literature cited by the submitters: PubMed 23396983; PubMed 25351510; PubMed 33035702.